The following is an entry in ClinVar:

NM_005188.4(CBL):c.611G>A (p.Ser204Asn)

Gene: CBL (Cbl proto-oncogene; plus strand). Cytogenetic location: 11q23.3.
Variant type: single nucleotide variant.
Coding change: c.611G>A on transcript NM_005188.4 (MANE Select); coding-DNA position 611, G replaced by A.
Protein change: p.Ser204Asn; replaces serine 204 with asparagine.
Molecular consequence: missense variant.
Genome position (GRCh38, 1-based): chr11:119,273,888, G>A. VCF-style: chr11-119273888-G-A. GRCh37 (hg19) VCF-style: chr11-119144598-G-A.
Other names: c.611G>A (NM_005188.2); short protein forms S204N.
Identifiers: ClinVar variation 3626920 (VCV003626920.3).

ClinVar aggregate classification (germline): Uncertain significance. Review status: criteria provided, multiple submitters, no conflicts (2 of 4 stars). 2 submissions from 2 submitters: Uncertain significance (2). Last evaluated 2026-02-03.

Conditions:
Cardiovascular phenotype. Identifiers: MedGen CN230736.
RASopathy. Also called: rasopathies; Noonan spectrum disorder. Identifiers: Orphanet 536391, MedGen C5555857, MONDO:0021060.

gnomAD v4.1: 1 of 1,614,144 alleles (0.000062%); no homozygotes.

Submissions (2):

Labcorp Genetics (formerly Invitae), Labcorp
Classification: Uncertain significance for RASopathy. Last evaluated: 2026-02-03. Review status: criteria provided, single submitter. Criteria: Invitae Variant Classification Sherloc (09022015). Collection method: clinical testing. Allele origin: germline.
Comment: This sequence change replaces serine, which is neutral and polar, with asparagine, which is neutral and polar, at codon 204 of the CBL protein (p.Ser204Asn). This variant is not present in population databases (gnomAD no frequency). This variant has not been reported in the literature in individuals affected with CBL-related conditions. ClinVar contains an entry for this variant (Variation ID: 3626920). Invitae Evidence Modeling of protein sequence and biophysical properties (such as structural, functional, and spatial information, amino acid conservation, physicochemical variation, residue mobility, and thermodynamic stability) indicates that this missense variant is not expected to disrupt CBL protein function with a negative predictive value of 95%. In summary, the available evidence is currently insufficient to determine the role of this variant in disease. Therefore, it has been classified as a Variant of Uncertain Significance.

Ambry Genetics
Classification: Uncertain significance for Cardiovascular phenotype. Last evaluated: 2024-12-12. Review status: criteria provided, single submitter. Criteria: Ambry Variant Classification Scheme 2023. Collection method: clinical testing. Allele origin: germline.
Comment: The p.S204N variant (also known as c.611G>A), located in coding exon 4 of the CBL gene, results from a G to A substitution at nucleotide position 611. The serine at codon 204 is replaced by asparagine, an amino acid with highly similar properties. This amino acid position is conserved. In addition, this alteration is predicted to be tolerated by in silico analysis. Based on the available evidence, the clinical significance of this variant remains unclear.